The following is an entry in ClinVar:

NM_031935.3(HMCN1):c.16294+4A>T

Gene: HMCN1 (hemicentin 1; plus strand). Cytogenetic location: 1q31.1.
Variant type: single nucleotide variant.
Coding change: c.16294+4A>T on transcript NM_031935.3 (MANE Select); 4 bases into the intron after coding-DNA position 16294, A replaced by T.
Molecular consequence: intron variant.
Genome position (GRCh38, 1-based): chr1:186,178,770, A>T. VCF-style: chr1-186178770-A-T. GRCh37 (hg19) VCF-style: chr1-186147902-A-T.
Identifiers: ClinVar variation 2757352 (VCV002757352.3), dbSNP rs2528263795, ClinGen allele CA2697554797.

ClinVar aggregate classification (germline): Uncertain significance (1 of 4 stars; one submission).

Submission:

Labcorp Genetics (formerly Invitae), Labcorp
Classification: Uncertain significance. Last evaluated: 2023-09-01. Review status: criteria provided, single submitter. Criteria: Invitae Variant Classification Sherloc (09022015). Collection method: clinical testing. Allele origin: germline.
Comment: In summary, the available evidence is currently insufficient to determine the role of this variant in disease. Therefore, it has been classified as a Variant of Uncertain Significance. This sequence change falls in intron 104 of the HMCN1 gene. It does not directly change the encoded amino acid sequence of the HMCN1 protein. It affects a nucleotide within the consensus splice site. This variant is not present in population databases (gnomAD no frequency). This variant has not been reported in the literature in individuals affected with HMCN1-related conditions. Variants that disrupt the consensus splice site are a relatively common cause of aberrant splicing (PMID: 17576681, 9536098). Algorithms developed to predict the effect of sequence changes on RNA splicing suggest that this variant may disrupt the consensus splice site.

Literature cited by the submitters: PubMed 17576681; PubMed 9536098.